The following is an entry in ClinVar:

NM_032656.4(DHX37):c.1954G>A (p.Val652Ile)

Gene: DHX37 (DEAH-box helicase 37; minus strand). Cytogenetic location: 12q24.31.
Variant type: single nucleotide variant.
Coding change: c.1954G>A on transcript NM_032656.4 (MANE Select); coding-DNA position 1954, G replaced by A.
Protein change: p.Val652Ile; replaces valine 652 with isoleucine.
Molecular consequence: missense variant.
Genome position (GRCh38, 1-based): chr12:124,964,485, C>T on the plus strand (G>A on the coding strand, the complement: DHX37 is on the minus strand). VCF-style: chr12-124964485-C-T. GRCh37 (hg19) VCF-style: chr12-125449031-C-T.
Other names: c.1954G>A (NM_032656.3); short protein forms V652I.
Identifiers: ClinVar variation 2188146 (VCV002188146.5), dbSNP rs141344600, ClinGen allele CA6871820.

ClinVar aggregate classification (germline): Uncertain significance. Review status: criteria provided, multiple submitters, no conflicts (2 of 4 stars). 2 submissions from 2 submitters: Uncertain significance (2). Last evaluated 2025-05-19.

Conditions:
Inborn genetic diseases. Identifiers: MedGen C0950123, MeSH D030342.

Allele frequency attached by ClinVar (database versions not stated): ExAC 0.00003; TOPMed 0.00006; gnomAD 0.00009; ESP Exome Variant Server 0.00015; 1000 Genomes Project 30x 0.00016; 1000 Genomes Project 0.00020.
gnomAD v4.1: 28 of 1,614,204 alleles (0.0017%); highest among the groups gnomAD compares: African/African-American, 0.025%; no homozygotes.

Submissions (2):

Ambry Genetics
Classification: Uncertain significance for Inborn genetic diseases. Last evaluated: 2025-05-19. Review status: criteria provided, single submitter. Criteria: Ambry Variant Classification Scheme 2023. Collection method: clinical testing. Allele origin: germline.

Labcorp Genetics (formerly Invitae), Labcorp
Classification: Uncertain significance. Last evaluated: 2024-09-13. Review status: criteria provided, single submitter. Criteria: Invitae Variant Classification Sherloc (09022015). Collection method: clinical testing. Allele origin: germline.
Comment: This sequence change replaces valine, which is neutral and non-polar, with isoleucine, which is neutral and non-polar, at codon 652 of the DHX37 protein (p.Val652Ile). This variant is present in population databases (rs141344600, gnomAD 0.02%). This variant has not been reported in the literature in individuals affected with DHX37-related conditions. ClinVar contains an entry for this variant (Variation ID: 2188146). Invitae Evidence Modeling of protein sequence and biophysical properties (such as structural, functional, and spatial information, amino acid conservation, physicochemical variation, residue mobility, and thermodynamic stability) indicates that this missense variant is not expected to disrupt DHX37 protein function with a negative predictive value of 80%. In summary, the available evidence is currently insufficient to determine the role of this variant in disease. Therefore, it has been classified as a Variant of Uncertain Significance.